The following is an entry in ClinVar:

ClinVar aggregate classification (germline): Benign/Likely benign. Review status: criteria provided, multiple submitters, no conflicts (2 of 4 stars). 2 submissions from 2 submitters: Benign (1); Likely benign (1). Last evaluated 2025-10-15.

Conditions:
Familial adenomatous polyposis 1 (FAP1). Also called: POLYPOSIS, ADENOMATOUS INTESTINAL; FAMILIAL ADENOMATOUS POLYPOSIS 1, ATTENUATED. Identifiers: MedGen C2713442, MONDO:0021056, OMIM 175100. Disease mechanism: loss of function.

gnomAD v4.1: 1 of 1,597,216 alleles (0.000063%); highest among the groups gnomAD compares: Non-Finnish European, 0.000086%; no homozygotes.

Submissions (2):

Labcorp Genetics (formerly Invitae), Labcorp
Classification: Likely benign for Familial adenomatous polyposis 1. Last evaluated: 2025-10-15. Review status: criteria provided, single submitter. Criteria: Invitae Variant Classification Sherloc (09022015). Collection method: clinical testing. Allele origin: germline.

Myriad Genetics, Inc.
Classification: Benign for Familial adenomatous polyposis 1. Last evaluated: 2024-02-27. Review status: criteria provided, single submitter. Criteria: Myriad Autosomal Dominant, Autosomal Recessive and X-Linked Classification Criteria (2023). Collection method: clinical testing. Allele origin: unknown.
Comment: This variant is considered benign. This variant is a silent/synonymous amino acid change and it is not expected to impact splicing.

NM_000038.6(APC):c.831T>C (p.Gly277=)

Gene: APC (APC regulator of Wnt signaling pathway; plus strand). Cytogenetic location: 5q22.2.
Variant type: single nucleotide variant.
Coding change: c.831T>C on transcript NM_000038.6 (MANE Select); coding-DNA position 831, T replaced by C.
Protein change: p.Gly277=; no amino-acid change (glycine 277 retained).
Molecular consequence: synonymous variant. On other transcripts: 5 prime UTR variant (1).
Genome position (GRCh38, 1-based): chr5:112,801,380, T>C. VCF-style: chr5-112801380-T-C. GRCh37 (hg19) VCF-style: chr5-112137077-T-C.
Other names: c.831T>C, p.Gly277= (NM_001127510.3, NM_001354895.2, NM_001354896.2 and 1 more transcripts); c.777T>C, p.Gly259= (NM_001127511.3); c.861T>C, p.Gly287= (NM_001354897.2, NM_001354902.2); c.756T>C, p.Gly252= (NM_001354898.2, NM_001354904.2); c.747T>C, p.Gly249= (NM_001354899.2); c.654T>C, p.Gly218= (NM_001354900.2, NM_001354901.2, NM_001354905.2); c.-205T>C (NM_001354906.2).
Identifiers: ClinVar variation 1155047 (VCV001155047.11), dbSNP rs2149712555, ClinGen allele CA445755657.